The following is an entry in ClinVar:

ClinVar aggregate classification (germline): Uncertain significance. Review status: criteria provided, multiple submitters, no conflicts (2 of 4 stars). 2 submissions from 2 submitters: Uncertain significance (2). Last evaluated 2020-01-23.

Conditions:
Hereditary cancer-predisposing syndrome. Also called: Neoplastic Syndromes, Hereditary; Tumor predisposition; Hereditary neoplastic syndrome; Hereditary Cancer Syndrome. Identifiers: Orphanet 140162, MedGen C0027672, MeSH D009386, MONDO:0015356.
Breast-ovarian cancer, familial, susceptibility to, 4. Identifiers: Orphanet 145, MedGen C3280345, MONDO:0013669, OMIM 614291.

Allele frequency attached by ClinVar (database versions not stated): gnomAD exomes below 0.00001.
gnomAD v4.1: 1 of 1,612,910 alleles (0.000062%); highest among the groups gnomAD compares: Non-Finnish European, 0.000085%; no homozygotes.

Submissions (2):

Labcorp Genetics (formerly Invitae), Labcorp
Classification: Uncertain significance for Breast-ovarian cancer, familial, susceptibility to, 4. Last evaluated: 2020-01-23. Review status: criteria provided, single submitter. Criteria: Invitae Variant Classification Sherloc (09022015). Collection method: clinical testing. Allele origin: germline.
Comment: In summary, the available evidence is currently insufficient to determine the role of this variant in disease. Therefore, it has been classified as a Variant of Uncertain Significance. Algorithms developed to predict the effect of missense changes on protein structure and function (SIFT, PolyPhen-2, Align-GVGD) all suggest that this variant is likely to be tolerated, but these predictions have not been confirmed by published functional studies and their clinical significance is uncertain. This variant has not been reported in the literature in individuals with RAD51D-related conditions. This variant is not present in population databases (ExAC no frequency). This sequence change replaces glutamine with arginine at codon 168 of the RAD51D protein (p.Gln168Arg). The glutamine residue is weakly conserved and there is a small physicochemical difference between glutamine and arginine.

Ambry Genetics
Classification: Uncertain significance for Hereditary cancer-predisposing syndrome. Last evaluated: 2019-08-06. Review status: criteria provided, single submitter. Criteria: Ambry Variant Classification Scheme 2023. Collection method: clinical testing. Allele origin: germline.
Comment: The p.Q168R variant (also known as c.503A>G), located in coding exon 6 of the RAD51D gene, results from an A to G substitution at nucleotide position 503. The glutamine at codon 168 is replaced by arginine, an amino acid with highly similar properties. This amino acid position is well conserved in available vertebrate species. In addition, the in silico prediction for this alteration is inconclusive. Since supporting evidence is limited at this time, the clinical significance of this alteration remains unclear.

NM_002878.4(RAD51D):c.503A>G (p.Gln168Arg)

Genes: RAD51L3-RFFL (RAD51L3-RFFL readthrough; minus strand), RAD51D (RAD51 paralog D; minus strand). Cytogenetic location: 17q12.
Variant type: single nucleotide variant.
Coding change: c.503A>G on transcript NM_002878.4 (MANE Select); coding-DNA position 503, A replaced by G.
Protein change: p.Gln168Arg; replaces glutamine 168 with arginine.
Molecular consequence: missense variant. On other transcripts: non-coding transcript variant (3).
Genome position (GRCh38, 1-based): chr17:35,106,459, T>C on the plus strand (A>G on the coding strand, the complement: RAD51D is on the minus strand). VCF-style: chr17-35106459-T-C. GRCh37 (hg19) VCF-style: chr17-33433478-T-C.
Other names: c.563A>G, p.Gln188Arg (NM_001142571.2); c.167A>G, p.Gln56Arg (NM_133629.3); short protein forms Q168R, Q188R, Q56R.
Identifiers: ClinVar variation 825391 (VCV000825391.9), dbSNP rs1597861822, ClinGen allele CA399088953.
Genomic context (GRCh38, chr17:35,106,459, plus strand): 5'-GTGCCTCGGAGCTCCTGCAGCACATCCAGCATCTGGAAGATGTCAAATGCATGCACCACC[T>C]GGATCCTCCGGAGAGCTTCTGCCTGAAGCGGTGGAAAAGAAAAGCAAGGACTTTGGATAA-3'
Protein context (NP_002869.3, residues 158-178): EEQAEALRRI[Gln168Arg]VVHAFDIFQM